The following is an entry in ClinVar:

NM_000257.4(MYH7):c.616A>C (p.Lys206Gln)

Gene: MYH7 (myosin heavy chain 7; minus strand). Cytogenetic location: 14q11.2.
Variant type: single nucleotide variant.
Coding change: c.616A>C on transcript NM_000257.4 (MANE Select); coding-DNA position 616, A replaced by C.
Protein change: p.Lys206Gln; replaces lysine 206 with glutamine.
Molecular consequence: missense variant.
Genome position (GRCh38, 1-based): chr14:23,431,784, T>G on the plus strand (A>C on the coding strand, the complement: MYH7 is on the minus strand). VCF-style: chr14-23431784-T-G. GRCh37 (hg19) VCF-style: chr14-23900993-T-G.
Other names: short protein forms K206Q.
Identifiers: ClinVar variation 1473200 (VCV001473200.7), dbSNP rs2138682245, ClinGen allele CA389052418.

ClinVar aggregate classification (germline): Uncertain significance. Review status: criteria provided, multiple submitters, no conflicts (2 of 4 stars). 2 submissions from 2 submitters: Uncertain significance (2). Last evaluated 2023-11-28.

Conditions:
Hypertrophic cardiomyopathy. Also called: HYPERTROPHIC MYOCARDIOPATHY. Identifiers: Orphanet 217569, MedGen C0007194, MeSH D002312, MONDO:0005045, HP:0001639.
Cardiovascular phenotype. Identifiers: MedGen CN230736.

Submissions (2):

Labcorp Genetics (formerly Invitae), Labcorp
Classification: Uncertain significance for Hypertrophic cardiomyopathy. Last evaluated: 2023-11-28. Review status: criteria provided, single submitter. Criteria: Invitae Variant Classification Sherloc (09022015). Collection method: clinical testing. Allele origin: germline.
Comment: This sequence change replaces lysine, which is basic and polar, with glutamine, which is neutral and polar, at codon 206 of the MYH7 protein (p.Lys206Gln). This variant is not present in population databases (gnomAD no frequency). This missense change has been observed in individual(s) with hypertrophic cardiomyopathy (Invitae). ClinVar contains an entry for this variant (Variation ID: 1473200). Advanced modeling of protein sequence and biophysical properties (such as structural, functional, and spatial information, amino acid conservation, physicochemical variation, residue mobility, and thermodynamic stability) performed at Invitae indicates that this missense variant is expected to disrupt MYH7 protein function with a positive predictive value of 95%. In summary, the available evidence is currently insufficient to determine the role of this variant in disease. Therefore, it has been classified as a Variant of Uncertain Significance.

Ambry Genetics
Classification: Uncertain significance for Cardiovascular phenotype. Last evaluated: 2023-11-17. Review status: criteria provided, single submitter. Criteria: Ambry Variant Classification Scheme 2023. Collection method: clinical testing. Allele origin: germline.
Comment: The p.K206Q variant (also known as c.616A>C), located in coding exon 5 of the MYH7 gene, results from an A to C substitution at nucleotide position 616. The lysine at codon 206 is replaced by glutamine, an amino acid with similar properties. This amino acid position is highly conserved in available vertebrate species. In addition, the in silico prediction for this alteration is inconclusive. Since supporting evidence is limited at this time, the clinical significance of this alteration remains unclear.